The following is an entry in ClinVar:

NM_024675.4(PALB2):c.1670T>C (p.Phe557Ser)

Gene: PALB2 (partner and localizer of BRCA2; minus strand). Cytogenetic location: 16p12.2.
Variant type: single nucleotide variant.
Coding change: c.1670T>C on transcript NM_024675.4 (MANE Select); coding-DNA position 1670, T replaced by C.
Protein change: p.Phe557Ser; replaces phenylalanine 557 with serine.
Molecular consequence: missense variant.
Genome position (GRCh38, 1-based): chr16:23,634,876, A>G on the plus strand (T>C on the coding strand, the complement: PALB2 is on the minus strand). VCF-style: chr16-23634876-A-G. GRCh37 (hg19) VCF-style: chr16-23646197-A-G.
Other names: short protein forms F557S.
Identifiers: ClinVar variation 233619 (VCV000233619.5), dbSNP rs876660525, ClinGen allele CA10580003.

ClinVar aggregate classification (germline): Uncertain significance (1 of 4 stars; one submission).

Conditions:
Hereditary cancer-predisposing syndrome. Also called: Neoplastic Syndromes, Hereditary; Tumor predisposition; Hereditary Cancer Syndrome; Hereditary neoplastic syndrome. Identifiers: Orphanet 140162, MedGen C0027672, MeSH D009386, MONDO:0015356.

Submission:

Ambry Genetics
Classification: Uncertain significance for Hereditary cancer-predisposing syndrome. Last evaluated: 2015-09-15. Review status: criteria provided, single submitter. Criteria: Ambry Variant Classification Scheme 2023. Collection method: clinical testing. Allele origin: germline.
Comment: The p.F557S variant (also known as c.1670T>C), located in coding exon 4 of the PALB2 gene, results from a T to C substitution at nucleotide position 1670. The phenylalanine at codon 557 is replaced by serine, an amino acid with highly dissimilar properties. This variant was not reported in population based cohorts in the following databases: Database of Single Nucleotide Polymorphisms (dbSNP), NHLBI Exome Sequencing Project (ESP), and 1000 Genomes Project. In the ESP, this variant was not observed in 6497 samples (12994 alleles) with coverage at this position. To date, this alteration has been detected with an allele frequency of approximately 0.001% (greater than 70000 alleles tested) in our clinical cohort. This amino acid position is poorly conserved in available vertebrate species. In addition, this alteration is predicted to be tolerated by in silico analysis. Since supporting evidence is limited at this time, the clinical significance of p.F557S remains unclear.